The following is an entry in ClinVar:

NM_006389.5(HYOU1):c.795-3C>T

Gene: HYOU1 (hypoxia up-regulated 1; minus strand). Cytogenetic location: 11q23.3.
Variant type: single nucleotide variant.
Coding change: c.795-3C>T on transcript NM_006389.5 (MANE Select); 3 bases into the intron before coding-DNA position 795, C replaced by T.
Molecular consequence: intron variant.
Genome position (GRCh38, 1-based): chr11:119,052,832, G>A on the plus strand (C>T on the coding strand, the complement: HYOU1 is on the minus strand). VCF-style: chr11-119052832-G-A. GRCh37 (hg19) VCF-style: chr11-118923544-G-A.
Other names: c.795-3C>T (NM_001130991.3, NM_001411041.1).
Identifiers: ClinVar variation 2723383 (VCV002723383.4), dbSNP rs575748463, ClinGen allele CA229623787.

ClinVar aggregate classification (germline): Conflicting classifications of pathogenicity. Review status: criteria provided, conflicting classifications (1 of 4 stars). 2 submissions from 2 submitters: Uncertain significance (1); Likely benign (1). Last evaluated 2025-03-04.

Allele frequency attached by ClinVar (database versions not stated): gnomAD 0.00001; gnomAD exomes 0.00001; TOPMed 0.00001; 1000 Genomes Project 30x 0.00016.
gnomAD v4.1: 20 of 1,609,224 alleles (0.0012%); highest among the groups gnomAD compares: Middle Eastern, 0.017%; no homozygotes.

Submissions (2):

Labcorp Genetics (formerly Invitae), Labcorp
Classification: Uncertain significance. Last evaluated: 2025-03-04. Review status: criteria provided, single submitter. Criteria: Invitae Variant Classification Sherloc (09022015). Collection method: clinical testing. Allele origin: germline.
Comment: This sequence change falls in intron 8 of the HYOU1 gene. It does not directly change the encoded amino acid sequence of the HYOU1 protein. It affects a nucleotide within the consensus splice site. This variant is present in population databases (rs575748463, gnomAD 0.007%). This variant has not been reported in the literature in individuals affected with HYOU1-related conditions. ClinVar contains an entry for this variant (Variation ID: 2723383). Variants that disrupt the consensus splice site are a relatively common cause of aberrant splicing (PMID: 17576681, 9536098). Algorithms developed to predict the effect of sequence changes on RNA splicing suggest that this variant is not likely to affect RNA splicing. In summary, the available evidence is currently insufficient to determine the role of this variant in disease. Therefore, it has been classified as a Variant of Uncertain Significance.

Blueprint Genetics
Classification: Likely benign. Last evaluated: 2024-11-25. Review status: criteria provided, single submitter. Criteria: ACMG Guidelines, 2015. Collection method: clinical testing. Allele origin: germline.

Literature cited by the submitters: PubMed 17576681 (cited by Labcorp Genetics (formerly Invitae), Labcorp); PubMed 9536098 (cited by Labcorp Genetics (formerly Invitae), Labcorp).